The following is an entry in ClinVar:

NM_001329943.3(KIAA0586):c.*24del

Gene: KIAA0586 (KIAA0586; plus strand). Cytogenetic location: 14q23.1.
Variant type: Deletion.
Coding change: c.*24del on transcript NM_001329943.3 (MANE Select); 24 bases downstream of the stop codon, one base deleted (T; older notation c.*24delT).
Molecular consequence: 3 prime UTR variant. On other transcripts: frameshift variant (2).
Genome position (GRCh38, 1-based): chr14:58,547,956, T deleted. VCF-style (leftmost placement, unchanged base first): chr14-58547955-GT-G. GRCh37 (hg19) VCF-style: chr14-59014673-GT-G.
Other names: c.4915del, p.Cys1639fs (NM_001244189.2); c.*24del (NM_001244190.2, NM_001244191.2, NM_001244192.2 and 5 more transcripts); c.4756del, p.Cys1586fs (NM_001329944.2); short protein forms C1586fs, C1639fs.
Identifiers: ClinVar variation 1438956 (VCV001438956.7), dbSNP rs775748329, ClinGen allele CA7206471.
Genomic context (GRCh38, chr14:58,547,955, plus strand): 5'-AGGAGGACATGGAGTCTTCGGGGGCAGATACCTTCTGAACGGGAAGAGACAGCCAGCACA[GT>G]GTTTATGCCACTGGTTTTAAAGTCATTTTACCTTGGCTTAAAACCCTCTCTCAGACTGTT-3'

ClinVar aggregate classification (germline): Uncertain significance. Review status: criteria provided, multiple submitters, no conflicts (2 of 4 stars). 3 submissions from 3 submitters: Uncertain significance (3). Last evaluated 2023-07-10.

Conditions:
Short-rib thoracic dysplasia 14 with polydactyly (SRTD14). Identifiers: Orphanet 397715, MedGen C4225286, MONDO:0014688, OMIM 616546.
Joubert syndrome 23 (JBTS23). Identifiers: Orphanet 475, MedGen C4084822, MONDO:0014664, OMIM 616490.

Allele frequency attached by ClinVar (database versions not stated): gnomAD exomes 0.00001 and 0.00002; TOPMed 0.00001; ExAC 0.00002.

Submissions (3):

Labcorp Genetics (formerly Invitae), Labcorp
Classification: Uncertain significance for Joubert syndrome 23; Short-rib thoracic dysplasia 14 with polydactyly. Last evaluated: 2023-07-10. Review status: criteria provided, single submitter. Criteria: Invitae Variant Classification Sherloc (09022015). Collection method: clinical testing. Allele origin: germline.
Comment: This sequence change results in a frameshift in the KIAA0586 gene (p.Cys1639Valfs*27). While this is not anticipated to result in nonsense mediated decay, it is expected to disrupt the last 6 amino acid(s) of the KIAA0586 protein and extend the protein by 20 additional amino acid residues. This variant is present in population databases (rs775748329, gnomAD 0.002%). This variant has not been reported in the literature in individuals affected with KIAA0586-related conditions. ClinVar contains an entry for this variant (Variation ID: 1438956). In summary, the available evidence is currently insufficient to determine the role of this variant in disease. Therefore, it has been classified as a Variant of Uncertain Significance.

GeneDx
Classification: Uncertain significance. Last evaluated: 2022-04-15. Review status: criteria provided, single submitter. Criteria: GeneDx Variant Classification Process June 2021. Collection method: clinical testing. Allele origin: germline. Affected: yes.
Comment: Not observed at significant frequency in large population cohorts (gnomAD); Frameshift variant predicted to result in protein truncation as the last 6 amino acids are replaced with 26 different amino acids, although loss-of-function variants have not been reported downstream of this position in the protein; Has not been previously published as pathogenic or benign to our knowledge

Blueprint Genetics
Classification: Uncertain significance. Last evaluated: 2022-01-28. Review status: criteria provided, single submitter. Criteria: ACMG Guidelines, 2015. Collection method: clinical testing. Allele origin: germline.